The following is an entry in ClinVar:

NM_133379.5(TTN):c.13476C>T (p.Asp4492=)

Gene: TTN (titin; minus strand). Cytogenetic location: 2q31.2.
Variant type: single nucleotide variant.
Coding change: c.13476C>T on transcript NM_133379.5; coding-DNA position 13476, C replaced by T.
Protein change: p.Asp4492=; no amino-acid change (aspartic acid 4492 retained).
Molecular consequence: synonymous variant. On other transcripts: intron variant (6).
Genome position (GRCh38, 1-based): chr2:178,748,924, G>A on the plus strand (C>T on the coding strand, the complement: TTN is on the minus strand). VCF-style: chr2-178748924-G-A. GRCh37 (hg19) VCF-style: chr2-179613651-G-A.
Other names: p.D4492D:GAC>GAT; c.10222+4200C>T (NM_003319.4); c.10798+4200C>T (NM_133437.4); c.10597+4200C>T (NM_133432.3); c.10360+4200C>T (NM_133378.4, NM_001256850.1); c.11311+4200C>T (NM_001267550.2).
Identifiers: ClinVar variation 47756 (VCV000047756.31), dbSNP rs72648904, ClinGen allele CA284455.

ClinVar aggregate classification (germline): Benign. Review status: criteria provided, multiple submitters, no conflicts (2 of 4 stars). 10 submissions from 10 submitters: Benign (6). 4 of the submissions do not count toward it. Last evaluated 2025-07-22.

Allele frequency attached by ClinVar (database versions not stated): 1000 Genomes Project 30x 0.01046; 1000 Genomes Project 0.01098; ExAC 0.02123; TOPMed 0.02168; gnomAD exomes 0.02280 and 0.03247; gnomAD 0.02282 and 0.02326; ESP Exome Variant Server 0.02600.
gnomAD v4.1: 50,671 of 1,612,396 alleles (3.1%); highest among the groups gnomAD compares: Non-Finnish European, 3.7%; 967 homozygotes.

Submissions (10):

ARUP Laboratories, Molecular Genetics and Genomics, ARUP Laboratories
Classification: Benign. Last evaluated: 2025-07-22. Review status: criteria provided, single submitter. Criteria: ARUP Molecular Germline Variant Investigation Process 2024. Collection method: clinical testing. Allele origin: germline.

Molecular Diagnostic Laboratory for Inherited Cardiovascular Disease, Montreal Heart Institute
Classification: Benign. Last evaluated: 2025-04-09. Review status: criteria provided, single submitter. Criteria: ACMG Guidelines, 2015. Collection method: clinical testing. Allele origin: germline. Affected: no.
Comment: BS1;BP7

Blueprint Genetics
Classification: Benign. Last evaluated: 2024-11-26. Review status: criteria provided, single submitter. Criteria: ACMG Guidelines, 2015. Collection method: clinical testing. Allele origin: germline.

GeneDx
Classification: Benign. Last evaluated: 2014-01-13. Review status: criteria provided, single submitter. Criteria: GeneDx Variant Classification (06012015). Collection method: clinical testing. Allele origin: germline. Affected: yes.
Comment: This variant is considered likely benign or benign based on one or more of the following criteria: it is a conservative change, it occurs at a poorly conserved position in the protein, it is predicted to be benign by multiple in silico algorithms, and/or has population frequency not consistent with disease.

Laboratory for Molecular Medicine, Mass General Brigham Personalized Medicine
Classification: Benign. Last evaluated: 2011-12-16. Review status: criteria provided, single submitter. Criteria: LMM Criteria. Collection method: clinical testing. Allele origin: germline. Observed: 84 variant alleles.

Breakthrough Genomics
Classification: Benign. Review status: criteria provided, single submitter. Criteria: ACMG Guidelines, 2015. Collection method: not provided. Allele origin: germline. Inheritance: Autosomal recessive inheritance. Affected: yes.

Clinical Genetics, Academic Medical Center
Classification: Benign. Review status: no assertion criteria provided. Collection method: clinical testing. Allele origin: germline. Affected: yes. Study: VKGL Data-share Consensus. Not counted in ClinVar's aggregate classification.

Diagnostic Laboratory, Department of Genetics, University Medical Center Groningen
Classification: Likely benign. Review status: no assertion criteria provided. Collection method: clinical testing. Allele origin: germline. Affected: yes. Study: VKGL Data-share Consensus. Not counted in ClinVar's aggregate classification.

Joint Genome Diagnostic Labs from Nijmegen and Maastricht, Radboudumc and MUMC+
Classification: Benign. Review status: no assertion criteria provided. Collection method: clinical testing. Allele origin: germline. Affected: yes. Study: VKGL Data-share Consensus. Not counted in ClinVar's aggregate classification.

Laboratory of Diagnostic Genome Analysis, Leiden University Medical Center (LUMC)
Classification: Likely benign. Review status: no assertion criteria provided. Collection method: clinical testing. Allele origin: germline. Affected: yes. Study: VKGL Data-share Consensus. Not counted in ClinVar's aggregate classification.